The following is an entry in ClinVar:

NM_000088.4(COL1A1):c.3790A>G (p.Met1264Val)

Gene: COL1A1 (collagen type I alpha 1 chain; minus strand). Cytogenetic location: 17q21.33.
Variant type: single nucleotide variant.
Coding change: c.3790A>G on transcript NM_000088.4 (MANE Select); coding-DNA position 3790, A replaced by G.
Protein change: p.Met1264Val; replaces methionine 1264 with valine.
Molecular consequence: missense variant.
Genome position (GRCh38, 1-based): chr17:50,186,664, T>C on the plus strand (A>G on the coding strand, the complement: COL1A1 is on the minus strand). VCF-style: chr17-50186664-T-C. GRCh37 (hg19) VCF-style: chr17-48264025-T-C.
Other names: c.3790A>G (LRG_1t1); short protein forms M1264V.
Identifiers: ClinVar variation 425625 (VCV000425625.11), dbSNP rs72656340, ClinGen allele CA291542868.

ClinVar aggregate classification (germline): Pathogenic. Review status: criteria provided, single submitter (1 of 4 stars). 2 submissions from 2 submitters: Pathogenic (1). 1 of the submissions does not count toward it. Last evaluated 2019-09-10.

Conditions:
Osteogenesis imperfecta type I (OI1). Also called: Lobstein's Disease; Lobstein disease; Osteogenesis imperfecta type 1; OI, TYPE I; OSTEOGENESIS IMPERFECTA TARDA; OSTEOGENESIS IMPERFECTA WITH BLUE SCLERAE. Identifiers: Orphanet 216796, Orphanet 666, MedGen C0023931, MONDO:0008146, OMIM 166200. Disease mechanism: loss of function.

Submissions (2):

Labcorp Genetics (formerly Invitae), Labcorp
Classification: Pathogenic for Osteogenesis imperfecta type I. Last evaluated: 2019-09-10. Review status: criteria provided, single submitter. Criteria: Invitae Variant Classification Sherloc (09022015). Collection method: clinical testing. Allele origin: germline.
Comment: This variant has been observed in individuals affected with osteogenesis imperfecta (OI) or with clinical features of both OI and Ehlers-Danlos syndrome (PMID: 15235039, 26177859, Invitae). In at least one of these individuals the variant was found to be de novo. It was also observed to segregate with disease in related individuals (Invitae). ClinVar contains an entry for this variant (Variation ID: 425625). This variant is not present in population databases (ExAC no frequency). This sequence change replaces methionine with valine at codon 1264 of the COL1A1 protein (p.Met1264Val). The methionine residue is highly conserved and there is a small physicochemical difference between methionine and valine. Experimental studies have shown that this variant disrupts mRNA splicing (PMID: 15235039). For these reasons, this variant has been classified as Pathogenic.

Department of Medical Sciences, Uppsala University
Classification: Pathogenic for OI type I. Review status: no assertion criteria provided. Collection method: clinical testing. Allele origin: unknown. Affected: yes. Observed: 1 variant allele. Not counted in ClinVar's aggregate classification.

Literature cited by the submitters: PubMed 15235039 (cited by Labcorp Genetics (formerly Invitae), Labcorp); PubMed 26177859 (cited by Labcorp Genetics (formerly Invitae), Labcorp); PubMed 25944380 (cited by Department of Medical Sciences, Uppsala University).